The following is an entry in ClinVar:

ClinVar aggregate classification (germline): Uncertain significance. Review status: criteria provided, multiple submitters, no conflicts (2 of 4 stars). 2 submissions from 2 submitters: Uncertain significance (2). Last evaluated 2025-05-22.

Conditions:
Early-infantile DEE. Also called: Ohtahara syndrome; Early infantile epileptic encephalopathy with suppression bursts; Early infantile epileptic encephalopathy. Identifiers: Orphanet 1934, MedGen C0393706, MONDO:0800491.

Allele frequency attached by ClinVar (database versions not stated): gnomAD exomes below 0.00001; gnomAD 0.00001.
gnomAD v4.1: 2 of 1,602,404 alleles (0.00012%); highest among the groups gnomAD compares: African/African-American, 0.0013%; no homozygotes.

Submissions (2):

Labcorp Genetics (formerly Invitae), Labcorp
Classification: Uncertain significance for Early-infantile DEE. Last evaluated: 2025-05-22. Review status: criteria provided, single submitter. Criteria: Invitae Variant Classification Sherloc (09022015). Collection method: clinical testing. Allele origin: germline.
Comment: This sequence change replaces glutamic acid, which is acidic and polar, with glutamine, which is neutral and polar, at codon 1448 of the SCN1A protein (p.Glu1448Gln). This variant is present in population databases (no rsID available, gnomAD 0.01%). This variant has not been reported in the literature in individuals affected with SCN1A-related conditions. ClinVar contains an entry for this variant (Variation ID: 1162931). Invitae Evidence Modeling of protein sequence and biophysical properties (such as structural, functional, and spatial information, amino acid conservation, physicochemical variation, residue mobility, and thermodynamic stability) has been performed for this missense variant. However, the output from this modeling did not meet the statistical confidence thresholds required to predict the impact of this variant on SCN1A protein function. In summary, the available evidence is currently insufficient to determine the role of this variant in disease. Therefore, it has been classified as a Variant of Uncertain Significance.

Mayo Clinic Laboratories, Mayo Clinic
Classification: Uncertain significance. Last evaluated: 2020-08-03. Review status: criteria provided, single submitter. Criteria: ACMG Guidelines, 2015. Collection method: clinical testing. Allele origin: germline. Observed: 1 variant allele.

NM_001165963.4(SCN1A):c.4342G>C (p.Glu1448Gln)

Genes: SCN1A (sodium voltage-gated channel alpha subunit 1; minus strand), LOC102724058 (uncharacterized LOC102724058; plus strand). Cytogenetic location: 2q24.3.
Variant type: single nucleotide variant.
Coding change: c.4342G>C on transcript NM_001165963.4 (MANE Select); coding-DNA position 4342, G replaced by C.
Protein change: p.Glu1448Gln; replaces glutamic acid 1448 with glutamine.
Molecular consequence: missense variant. On other transcripts: non-coding transcript variant (1).
Genome position (GRCh38, 1-based): chr2:165,998,172, C>G on the plus strand (G>C on the coding strand, the complement: SCN1A is on the minus strand). VCF-style: chr2-165998172-C-G. GRCh37 (hg19) VCF-style: chr2-166854682-C-G.
Other names: c.4258G>C, p.Glu1420Gln (NM_001165964.3, NM_001353957.2, NM_001353958.2); c.4342G>C, p.Glu1448Gln (NM_001202435.3, NM_001353948.2); c.4309G>C, p.Glu1437Gln (NM_001353949.2, NM_001353950.2, NM_001353951.2 and 2 more transcripts); c.4306G>C, p.Glu1436Gln (NM_001353954.2, NM_001353955.2); c.4255G>C, p.Glu1419Gln (NM_001353960.2); c.1900G>C, p.Glu634Gln (NM_001353961.2); short protein forms E1419Q, E1420Q, E1436Q, E1437Q, E1448Q, E634Q.
Identifiers: ClinVar variation 1162931 (VCV001162931.10), dbSNP rs1193847815, ClinGen allele CA349049507.